The following is an entry in ClinVar:

ClinVar aggregate classification (germline): Pathogenic (1 of 4 stars; one submission).

Conditions:
Hereditary cancer-predisposing syndrome. Also called: Tumor predisposition; Hereditary Cancer Syndrome; Neoplastic Syndromes, Hereditary; Hereditary neoplastic syndrome. Identifiers: Orphanet 140162, MedGen C0027672, MeSH D009386, MONDO:0015356.

Submission:

Ambry Genetics
Classification: Pathogenic for Hereditary cancer-predisposing syndrome. Last evaluated: 2022-05-03. Review status: criteria provided, single submitter. Criteria: Ambry Variant Classification Scheme 2023. Collection method: clinical testing. Allele origin: germline.
Comment: The c.1106delC pathogenic mutation, located in coding exon 4 of the MSH6 gene, results from a deletion of one nucleotide at nucleotide position 1106, causing a translational frameshift with a predicted alternate stop codon (p.T369Ifs*2). This alteration is expected to result in loss of function by premature protein truncation or nonsense-mediated mRNA decay. As such, this alteration is interpreted as a disease-causing mutation.

NM_000179.3(MSH6):c.1106del (p.Thr369fs)

Gene: MSH6 (mutS homolog 6; plus strand). Cytogenetic location: 2p16.3.
Variant type: Deletion.
Coding change: c.1106del on transcript NM_000179.3 (MANE Select); coding-DNA position 1106, one base deleted (C; older notation c.1106delC).
Protein change: p.Thr369fs; shifts the reading frame from threonine 369.
Molecular consequence: frameshift variant.
Genome position (GRCh38, 1-based): chr2:47,799,089, C deleted. VCF-style (leftmost placement, unchanged base first): chr2-47799088-AC-A. GRCh37 (hg19) VCF-style: chr2-48026227-AC-A.
Other names: c.200delC, p.Thr67Ilefs (NM_001406823.1, NM_001406811.1, NM_001406812.1 and 4 more transcripts); c.809delC, p.Thr270Ilefs (NM_001406819.1, NM_001406820.1, NM_001406821.1 and 10 more transcripts); c.716del, p.Thr239fs (NM_001281492.2); c.200del, p.Thr67fs (NM_001281493.2, NM_001281494.2); c.1202delC, p.Thr401Ilefs (NM_001406795.1, NM_001406802.1); c.1106delC, p.Thr369Ilefs (NM_001406796.1, NM_001406798.1, NM_001406800.1 and 4 more transcripts); c.581delC, p.Thr194Ilefs (NM_001406799.1, NM_001406806.1, NM_001406807.1); c.1028delC, p.Thr343Ilefs (NM_001406804.1); and 2 more; short protein forms T369fs, T239fs, T67fs.
Identifiers: ClinVar variation 1793785 (VCV001793785.2), dbSNP rs2530589800, ClinGen allele CA2580067314.